The following is an entry in ClinVar:

NM_002187.3(IL12B):c.961G>A (p.Glu321Lys)

Gene: IL12B (interleukin 12B; minus strand). Cytogenetic location: 5q33.3.
Variant type: single nucleotide variant.
Coding change: c.961G>A on transcript NM_002187.3 (MANE Select); coding-DNA position 961, G replaced by A.
Protein change: p.Glu321Lys; replaces glutamic acid 321 with lysine.
Molecular consequence: missense variant.
Genome position (GRCh38, 1-based): chr5:159,316,711, C>T on the plus strand (G>A on the coding strand, the complement: IL12B is on the minus strand). VCF-style: chr5-159316711-C-T. GRCh37 (hg19) VCF-style: chr5-158743719-C-T.
Other names: short protein forms E321K.
Identifiers: ClinVar variation 582623 (VCV000582623.11), dbSNP rs201512006, ClinGen allele CA3538656.

ClinVar aggregate classification (germline): Conflicting classifications of pathogenicity. Review status: criteria provided, conflicting classifications (1 of 4 stars). 3 submissions from 3 submitters: Uncertain significance (2); Likely benign (1). Last evaluated 2024-05-22.

Conditions:
Mendelian susceptibility to mycobacterial diseases due to complete IL12B deficiency. Also called: IL12B DEFICIENCY; Immunodeficiency 29. Identifiers: Orphanet 319558, MedGen C4013948, MONDO:0013954, OMIM 614890.

Allele frequency attached by ClinVar (database versions not stated): ESP Exome Variant Server 0.00008; gnomAD 0.00009; gnomAD exomes 0.00009; ExAC 0.00010; TOPMed 0.00013; 1000 Genomes Project 30x 0.00016; 1000 Genomes Project 0.00020.
gnomAD v4.1: 155 of 1,613,664 alleles (0.0096%); highest among the groups gnomAD compares: African/African-American, 0.015%; no homozygotes.

Submissions (3):

Blueprint Genetics
Classification: Likely benign. Last evaluated: 2024-05-22. Review status: criteria provided, single submitter. Criteria: ACMG Guidelines, 2015. Collection method: clinical testing. Allele origin: germline.

Labcorp Genetics (formerly Invitae), Labcorp
Classification: Uncertain significance for Mendelian susceptibility to mycobacterial diseases due to complete IL12B deficiency. Last evaluated: 2023-11-27. Review status: criteria provided, single submitter. Criteria: Invitae Variant Classification Sherloc (09022015). Collection method: clinical testing. Allele origin: germline.
Comment: This sequence change replaces glutamic acid, which is acidic and polar, with lysine, which is basic and polar, at codon 321 of the IL12B protein (p.Glu321Lys). This variant is present in population databases (rs201512006, gnomAD 0.03%). This variant has not been reported in the literature in individuals affected with IL12B-related conditions. ClinVar contains an entry for this variant (Variation ID: 582623). Advanced modeling of protein sequence and biophysical properties (such as structural, functional, and spatial information, amino acid conservation, physicochemical variation, residue mobility, and thermodynamic stability) performed at Invitae indicates that this missense variant is not expected to disrupt IL12B protein function with a negative predictive value of 80%. In summary, the available evidence is currently insufficient to determine the role of this variant in disease. Therefore, it has been classified as a Variant of Uncertain Significance.

Illumina Laboratory Services, Illumina
Classification: Uncertain significance for Mendelian susceptibility to mycobacterial diseases due to complete IL12B deficiency. Last evaluated: 2018-01-13. Review status: criteria provided, single submitter. Criteria: ICSL Variant Classification Criteria 13 December 2019. Collection method: clinical testing. Allele origin: germline.